The following is an entry in ClinVar:

NM_000528.4(MAN2B1):c.212_215del (p.Thr71fs)

Gene: MAN2B1 (mannosidase alpha class 2B member 1; minus strand). Cytogenetic location: 19p13.13.
Variant type: Microsatellite.
Coding change: c.212_215del on transcript NM_000528.4 (MANE Select); coding-DNA positions 212 to 215, 4 bases deleted (CACA; older notation c.212_215delCACA).
Protein change: p.Thr71fs; shifts the reading frame from threonine 71.
Molecular consequence: frameshift variant.
Genome position (GRCh38, 1-based): chr19:12,665,750-12,665,753, TGTG deleted on the plus strand (CACA on the coding strand, the reverse complement: MAN2B1 is on the minus strand); deleting any 4 consecutive bases within chr19:12,665,750-12,665,757 gives the same sequence; the c. name uses the placement nearest the transcript's 3' end. VCF-style (leftmost placement, unchanged base first): chr19-12665749-ATGTG-A. GRCh37 (hg19) VCF-style: chr19-12776563-ATGTG-A.
Other names: c.212_215del, p.Thr71fs (NM_001173498.2); short protein forms T71fs.
Identifiers: ClinVar variation 1403859 (VCV001403859.7), dbSNP rs2145290731, ClinGen allele CA2580612595.

ClinVar aggregate classification (germline): Pathogenic. Review status: criteria provided, multiple submitters, no conflicts (2 of 4 stars). 2 submissions from 2 submitters: Pathogenic (2). Last evaluated 2023-12-04.

Conditions:
Deficiency of alpha-mannosidase (MANSA). Also called: Mannosidosis, alpha-, types I and II; Alpha-Mannosidosis; LYSOSOMAL ALPHA-D-MANNOSIDASE DEFICIENCY. Identifiers: Orphanet 61, MedGen C0024748, MONDO:0009561, OMIM 248500.

Submissions (2):

Myriad Genetics, Inc.
Classification: Pathogenic for Deficiency of alpha-mannosidase. Last evaluated: 2023-12-04. Review status: criteria provided, single submitter. Criteria: Myriad Autosomal Dominant, Autosomal Recessive and X-Linked Classification Criteria (2023). Collection method: clinical testing. Allele origin: unknown.
Comment: NM_000528.3(MAN2B1):c.212_215delCACA(T71Mfs*85) is expected to be pathogenic in the context of alpha-mannosidosis. This variant is predicted to lead to an abnormal or absent protein product due to the creation of a premature termination codon in MAN2B1, a gene where loss-of-function variants are known to be pathogenic. Please note: this variant was assessed in the context of healthy population screening.

Labcorp Genetics (formerly Invitae), Labcorp
Classification: Pathogenic for Deficiency of alpha-mannosidase. Last evaluated: 2020-12-04. Review status: criteria provided, single submitter. Criteria: Invitae Variant Classification Sherloc (09022015). Collection method: clinical testing. Allele origin: germline.
Comment: For these reasons, this variant has been classified as Pathogenic. This variant has not been reported in the literature in individuals with MAN2B1-related conditions. This variant is not present in population databases (ExAC no frequency). This sequence change creates a premature translational stop signal (p.Thr71Metfs*85) in the MAN2B1 gene. It is expected to result in an absent or disrupted protein product. Loss-of-function variants in MAN2B1 are known to be pathogenic (PMID: 9915946, 22161967).

Literature cited by the submitters: PubMed 9915946 (cited by Labcorp Genetics (formerly Invitae), Labcorp); PubMed 22161967 (cited by Labcorp Genetics (formerly Invitae), Labcorp).